The following is an entry in ClinVar:

NM_001384140.1(PCDH15):c.4211+5G>A

Gene: PCDH15 (protocadherin related 15; minus strand). Cytogenetic location: 10q21.1.
Variant type: single nucleotide variant.
Coding change: c.4211+5G>A on transcript NM_001384140.1 (MANE Select); 5 bases into the intron after coding-DNA position 4211, G replaced by A.
Molecular consequence: intron variant.
Genome position (GRCh38, 1-based): chr10:53,828,560, C>T on the plus strand (G>A on the coding strand, the complement: PCDH15 is on the minus strand). VCF-style: chr10-53828560-C-T. GRCh37 (hg19) VCF-style: chr10-55588320-C-T.
Other names: c.4211+5G>A (NM_001354420.2, NM_001354429.2, NM_001142772.2 and 3 more transcripts); c.4226+5G>A (NM_001142771.2, NM_001142763.2); c.4232+5G>A (NM_001354411.2); c.4247+5G>A (NM_001142769.3); c.4145+5G>A (NM_001354404.2, NM_001142768.2); c.4137-1012G>A (NM_001142773.2); c.4092-1012G>A (NM_001142767.2); c.3998+5G>A (NM_001142765.2); and 1 more.
Identifiers: ClinVar variation 3901634 (VCV003901634.1).

ClinVar aggregate classification (germline): Uncertain significance (1 of 4 stars; one submission).

Submission:

GeneDx
Classification: Uncertain significance. Last evaluated: 2024-12-09. Review status: criteria provided, single submitter. Criteria: GeneDx Variant Classification Process June 2021. Collection method: clinical testing. Allele origin: germline. Affected: yes.
Comment: Intronic +5 splice site variant in a gene for which loss of function is a known mechanism of disease, and both splice predictors and evolutionary conservation support a deleterious effect, although in the absence of functional evidence the actual effect of this sequence change is unknown; Not observed at significant frequency in large population cohorts (gnomAD); Has not been previously published as pathogenic or benign to our knowledge